The following is an entry in ClinVar:

ClinVar aggregate classification (germline): Uncertain significance (1 of 4 stars; one submission).

Submission:

ARUP Laboratories, Molecular Genetics and Genomics, ARUP Laboratories
Classification: Uncertain significance. Last evaluated: 2025-06-04. Review status: criteria provided, single submitter. Criteria: ARUP Molecular Germline Variant Investigation Process 2024. Collection method: clinical testing. Allele origin: germline.
Comment: The PMS2 c.763T>C; p.Tyr255His variant, to our knowledge, is not reported in the medical literature or gene specific databases. This variant is also absent from the Genome Aggregation Database (v2.1.1), indicating it is not a common polymorphism. Computational analyses are uncertain whether this variant is neutral or deleterious (MAPP/PP2 Prior P: 0.6429). Due to limited information, the clinical significance of this variant is uncertain at this time.

NM_000535.7(PMS2):c.763T>C (p.Tyr255His)

Gene: PMS2 (PMS1 homolog 2, mismatch repair system component; minus strand). Cytogenetic location: 7p22.1.
Variant type: single nucleotide variant.
Coding change: c.763T>C on transcript NM_000535.7 (MANE Select); coding-DNA position 763, T replaced by C.
Protein change: p.Tyr255His; replaces tyrosine 255 with histidine.
Molecular consequence: missense variant. On other transcripts: 5 prime UTR variant (2), intron variant (3), non-coding transcript variant (1).
Genome position (GRCh38, 1-based): chr7:5,997,366, A>G on the plus strand (T>C on the coding strand, the complement: PMS2 is on the minus strand). VCF-style: chr7-5997366-A-G. GRCh37 (hg19) VCF-style: chr7-6036997-A-G.
Other names: c.358T>C, p.Tyr120His (NM_001322003.2, NM_001322004.2, NM_001322005.2 and 19 more transcripts); c.763T>C, p.Tyr255His (NM_001322006.2, NM_001322014.2, NM_001406870.1 and 3 more transcripts); c.445T>C, p.Tyr149His (NM_001322007.2, NM_001322008.2, NM_001406876.1 and 4 more transcripts); c.-171T>C (NM_001322011.2, NM_001322012.2); c.190T>C, p.Tyr64His (NM_001322013.2, NM_001406909.1); c.454T>C, p.Tyr152His (NM_001322015.2, NM_001406875.1, NM_001406877.1 and 6 more transcripts); c.949T>C, p.Tyr317His (NM_001406866.1); c.787T>C, p.Tyr263His (NM_001406868.1); and 7 more; short protein forms Y120H, Y143H, Y149H, Y152H, Y199H, Y219H, Y255H, Y263H.
Identifiers: ClinVar variation 4685861 (VCV004685861.1).
Genomic context (GRCh38, chr7:5,997,366, plus strand): 5'-CTTGCCAGCAATCTACTTACTAAAAAAGATTATGCAGAGCATCGGAACAGCTCAAACCGT[A>G]CTCTTCACACACGGAGTCACTAGGGGGCAGCTGAACAAAAGGAATGAGGCTTTGCAACTG-3'
Protein context (NP_000526.2, residues 245-265): LPPSDSVCEE[Tyr255His]GLSCSDALHN